The following is an entry in ClinVar:

ClinVar aggregate classification (germline): Likely benign. Review status: criteria provided, multiple submitters, no conflicts (2 of 4 stars). 4 submissions from 4 submitters: Likely benign (4). Last evaluated 2025-10-07.

Conditions:
Cardiovascular phenotype. Identifiers: MedGen CN230736.
RASopathy. Also called: Noonan spectrum disorder; rasopathies. Identifiers: Orphanet 536391, MedGen C5555857, MONDO:0021060.
Colorectal cancer. Also called: Colorectal cancer, somatic; Malignant Colorectal Neoplasm. Identifiers: MedGen C0346629, MONDO:0005575, OMIM 114500.
Melanoma, cutaneous malignant, susceptibility to, 1 (CMM1). Also called: DYSPLASTIC NEVUS SYNDROME, HEREDITARY; FAMILIAL ATYPICAL MOLE-MALIGNANT MELANOMA SYNDROME; MELANOMA, MALIGNANT; B-K MOLE SYNDROME. Identifiers: Orphanet 618, MedGen C1835047, MONDO:0007963, OMIM 155600.
Lung cancer. Also called: Lung cancer, somatic; Malignant tumor of lung. Identifiers: MedGen C0242379, MONDO:0008903, OMIM 211980.
LEOPARD syndrome 3 (LPRD3). Identifiers: Orphanet 500, MedGen C3150971, MONDO:0013380, OMIM 613707.
Noonan syndrome 7 (NS7). Also called: BRAF-Related Noonan Syndrome. Identifiers: Orphanet 648, MedGen C3150970, MONDO:0013379, OMIM 613706.
Cardiofaciocutaneous syndrome 1 (CFC1). Also called: BRAF-Related Cardiofaciocutaneous Syndrome; MAP2K1-Related Cardiofaciocutaneous Syndrome; KRAS-Related Cardiofaciocutaneous Syndrome; MAP2K2-Related Cardiofaciocutaneous Syndrome. Identifiers: Orphanet 1340, MedGen CN029449, MONDO:0007265, OMIM 115150. Disease mechanism: gain of function.

Allele frequency attached by ClinVar (database versions not stated): ExAC 0.00001; TOPMed 0.00002.
gnomAD v4.1: 2 of 1,614,134 alleles (0.00012%); highest among the groups gnomAD compares: Admixed American, 0.0017%; no homozygotes.

Submissions (4):

Labcorp Genetics (formerly Invitae), Labcorp
Classification: Likely benign for RASopathy. Last evaluated: 2025-10-07. Review status: criteria provided, single submitter. Criteria: Invitae Variant Classification Sherloc (09022015). Collection method: clinical testing. Allele origin: germline.

Ambry Genetics
Classification: Likely benign for Cardiovascular phenotype. Last evaluated: 2025-01-27. Review status: criteria provided, single submitter. Criteria: Ambry Variant Classification Scheme 2023. Collection method: clinical testing. Allele origin: germline.

Fulgent Genetics
Classification: Likely benign for Colorectal cancer; Cardiofaciocutaneous syndrome 1; Melanoma, cutaneous malignant, susceptibility to, 1; Lung cancer; Noonan syndrome 7; LEOPARD syndrome 3. Last evaluated: 2024-04-24. Review status: criteria provided, single submitter. Criteria: ACMG Guidelines, 2015. Collection method: clinical testing. Allele origin: germline.

GeneDx
Classification: Likely benign. Last evaluated: 2021-04-06. Review status: criteria provided, single submitter. Criteria: GeneDx Variant Classification Process June 2021. Collection method: clinical testing. Allele origin: germline. Affected: yes.
Comment: This variant is associated with the following publications: (PMID: 29752777)

NM_004333.6(BRAF):c.1368G>A (p.Gln456=)

Gene: BRAF (B-Raf proto-oncogene, serine/threonine kinase; minus strand). Cytogenetic location: 7q34.
Variant type: single nucleotide variant.
Coding change: c.1368G>A on transcript NM_004333.6 (MANE Select); coding-DNA position 1368, G replaced by A.
Protein change: p.Gln456=; no amino-acid change (glutamine 456 retained).
Molecular consequence: synonymous variant.
Genome position (GRCh38, 1-based): chr7:140,781,640, C>T on the plus strand (G>A on the coding strand, the complement: BRAF is on the minus strand). VCF-style: chr7-140781640-C-T. GRCh37 (hg19) VCF-style: chr7-140481440-C-T.
Other names: c.1368G>A, p.Gln456= (NM_001354609.2, NM_001378468.1, NM_001378474.1); c.1488G>A, p.Gln496= (NM_001374244.1, NM_001374258.1); c.1377G>A, p.Gln459= (NM_001378467.1); c.1302G>A, p.Gln434= (NM_001378469.1); c.1266G>A, p.Gln422= (NM_001378470.1); c.1257G>A, p.Gln419= (NM_001378471.1); c.1212G>A, p.Gln404= (NM_001378472.1, NM_001378473.1); c.1104G>A, p.Gln368= (NM_001378475.1).
Identifiers: ClinVar variation 1344958 (VCV001344958.12), dbSNP rs767473452, ClinGen allele CA4516744.